The following is an entry in ClinVar:

ClinVar aggregate classification (germline): Likely benign (1 of 4 stars; one submission).

gnomAD v4.1: 6,790 of 1,614,008 alleles (0.42%); highest among the groups gnomAD compares: Non-Finnish European, 0.49%; 19 homozygotes.

Submission:

CeGaT Center for Human Genetics Tuebingen
Classification: Likely benign. Last evaluated: 2026-06-01. Review status: criteria provided, single submitter. Criteria: CeGaT Center For Human Genetics Tuebingen Variant Classification Criteria Version 2. Collection method: clinical testing. Allele origin: germline. Affected: yes. Observed: 4 variant alleles.
Comment: ADAMTS10: PP3, BS2

NM_030957.4(ADAMTS10):c.1337+47G>A

Gene: ADAMTS10 (ADAM metallopeptidase with thrombospondin type 1 motif 10; minus strand). Cytogenetic location: 19p13.2.
Variant type: single nucleotide variant.
Coding change: c.1337+47G>A on transcript NM_030957.4 (MANE Select); 47 bases into the intron after coding-DNA position 1337, G replaced by A.
Molecular consequence: intron variant.
Genome position (GRCh38, 1-based): chr19:8,596,026, C>T on the plus strand (G>A on the coding strand, the complement: ADAMTS10 is on the minus strand). VCF-style: chr19-8596026-C-T. GRCh37 (hg19) VCF-style: chr19-8660910-C-T.
Identifiers: ClinVar variation 3770475 (VCV003770475.13).